The following is an entry in ClinVar:

NM_173601.2(GXYLT1):c.483C>A (p.Gly161=)

Gene: GXYLT1 (glucoside xylosyltransferase 1; minus strand). Cytogenetic location: 12q12.
Variant type: single nucleotide variant.
Coding change: c.483C>A on transcript NM_173601.2 (MANE Select); coding-DNA position 483, C replaced by A.
Protein change: p.Gly161=; no amino-acid change (glycine 161 retained).
Molecular consequence: synonymous variant.
Genome position (GRCh38, 1-based): chr12:42,119,003, G>T on the plus strand (C>A on the coding strand, the complement: GXYLT1 is on the minus strand). VCF-style: chr12-42119003-G-T. GRCh37 (hg19) VCF-style: chr12-42512805-G-T.
Other names: c.390C>A, p.Gly130= (NM_001099650.2).
Identifiers: ClinVar variation 2642889 (VCV002642889.24), dbSNP rs775422274, ClinGen allele CA6518389.

ClinVar aggregate classification (germline): Likely benign (1 of 4 stars; one submission).

Allele frequency attached by ClinVar (database versions not stated): 1000 Genomes Project 30x 0.00375; ExAC 0.02397.

Submission:

CeGaT Center for Human Genetics Tuebingen
Classification: Likely benign. Last evaluated: 2023-09-01. Review status: criteria provided, single submitter. Criteria: CeGaT Center For Human Genetics Tuebingen Variant Classification Criteria Version 2. Collection method: clinical testing. Allele origin: germline. Affected: yes. Observed: 1 variant allele.
Comment: GXYLT1: BP4, BP7